The following is an entry in ClinVar:

NC_000017.10:g.(?_56801381)_(56811583_?)del

Gene: RAD51C (RAD51 paralog C; plus strand). Cytogenetic location: 17q22.
Variant type: Deletion.
Identifiers: ClinVar variation 3243085 (VCV003243085.1).

ClinVar aggregate classification (germline): Likely pathogenic (1 of 4 stars; one submission).

Conditions:
Fanconi anemia complementation group O. Also called: RAD51C-Related Fanconi Anemia. Identifiers: Orphanet 84, MedGen C3150653, MONDO:0013248, OMIM 613390.

Submission:

Labcorp Genetics (formerly Invitae), Labcorp
Classification: Likely pathogenic for Fanconi anemia complementation group O. Last evaluated: 2024-01-19. Review status: criteria provided, single submitter. Criteria: Invitae Variant Classification Sherloc (09022015). Collection method: clinical testing. Allele origin: unknown.
Comment: This variant is a gross deletion of the genomic region encompassing exon(s) 7-9 of the RAD51C gene, which includes the termination codon. This deletion extends beyond the assayed region for this gene and therefore may encompass additional genes. While this deletion is not anticipated to lead to nonsense mediated decay, it is expected to alter mRNA translation or result in a truncated protein product. This variant has not been reported in the literature in individuals affected with RAD51C-related conditions. This variant disrupts the nuclear localization signal (NLS) of the RAD51C protein, which is important for proper localization and function of the RAD51C protein (PMID:12966089). While functional studies have not been performed to directly test the effect of this variant on RAD51C protein function, this suggests that disruption of this region of the protein is causative of disease. In summary, the currently available evidence indicates that the variant is pathogenic, but additional data are needed to prove that conclusively. Therefore, this variant has been classified as Likely Pathogenic.

Literature cited by the submitters: PubMed 12966089.